The following is an entry in ClinVar:

ClinVar aggregate classification (germline): Uncertain significance. Review status: criteria provided, multiple submitters, no conflicts (2 of 4 stars). 2 submissions from 2 submitters: Uncertain significance (2). Last evaluated 2025-04-25.

Conditions:
Inborn genetic diseases. Identifiers: MedGen C0950123, MeSH D030342.

Allele frequency attached by ClinVar (database versions not stated): gnomAD exomes below 0.00001; TOPMed 0.00002.
gnomAD v4.1: 1 of 1,614,172 alleles (0.000062%); highest among the groups gnomAD compares: Admixed American, 0.0017%; no homozygotes.

Submissions (2):

Ambry Genetics
Classification: Uncertain significance for Inborn genetic diseases. Last evaluated: 2025-04-25. Review status: criteria provided, single submitter. Criteria: Ambry Variant Classification Scheme 2023. Collection method: clinical testing. Allele origin: germline.

Labcorp Genetics (formerly Invitae), Labcorp
Classification: Uncertain significance. Last evaluated: 2022-08-09. Review status: criteria provided, single submitter. Criteria: Invitae Variant Classification Sherloc (09022015). Collection method: clinical testing. Allele origin: germline.
Comment: This sequence change replaces threonine, which is neutral and polar, with isoleucine, which is neutral and non-polar, at codon 122 of the TK2 protein (p.Thr122Ile). This variant is present in population databases (no rsID available, gnomAD 0.003%). This variant has not been reported in the literature in individuals affected with TK2-related conditions. ClinVar contains an entry for this variant (Variation ID: 1505554). Algorithms developed to predict the effect of missense changes on protein structure and function are either unavailable or do not agree on the potential impact of this missense change (SIFT: "Tolerated"; PolyPhen-2: "Possibly Damaging"; Align-GVGD: "Class C0"). In summary, the available evidence is currently insufficient to determine the role of this variant in disease. Therefore, it has been classified as a Variant of Uncertain Significance.

NM_004614.5(TK2):c.365C>T (p.Thr122Ile)

Gene: TK2 (thymidine kinase 2; minus strand). Cytogenetic location: 16q21.
Variant type: single nucleotide variant.
Coding change: c.365C>T on transcript NM_004614.5 (MANE Select); coding-DNA position 365, C replaced by T.
Protein change: p.Thr122Ile; replaces threonine 122 with isoleucine.
Molecular consequence: missense variant. On other transcripts: non-coding transcript variant (1).
Genome position (GRCh38, 1-based): chr16:66,531,390, G>A on the plus strand (C>T on the coding strand, the complement: TK2 is on the minus strand). VCF-style: chr16-66531390-G-A. GRCh37 (hg19) VCF-style: chr16-66565293-G-A.
Other names: c.272C>T, p.Thr91Ile (NM_001172643.1, NM_001271935.1); c.290C>T, p.Thr97Ile (NM_001172644.2); c.311C>T, p.Thr104Ile (NM_001172645.2); c.218C>T, p.Thr73Ile (NM_001271934.2); c.74C>T, p.Thr25Ile (NM_001272050.2); c.365C>T (NM_004614.4); short protein forms T104I, T25I, T97I, T122I, T73I, T91I.
Identifiers: ClinVar variation 1505554 (VCV001505554.6), dbSNP rs1254883673, ClinGen allele CA396190531.